The following is an entry in ClinVar:

ClinVar aggregate classification (germline): Likely benign. Review status: criteria provided, multiple submitters, no conflicts (2 of 4 stars). 7 submissions from 7 submitters: Likely benign (6). 1 of the submissions does not count toward it. Last evaluated 2025-12-23.

Conditions:
Autoinflammatory syndrome. Identifiers: Orphanet 93665, MedGen C3890737, MONDO:0019751.
TNF receptor-associated periodic fever syndrome (TRAPS) (FPF). Also called: TNF Receptor-Associated Periodic Fever Syndrome; TNF receptor 1-associated periodic fever syndrome; TNF RECEPTOR-ASSOCIATED PERIODIC SYNDROME; TUMOR NECROSIS FACTOR RECEPTOR-ASSOCIATED PERIODIC SYNDROME; Autosomal Dominant Familial Periodic Fever; FAMILIAL HIBERNIAN FEVER. Identifiers: Orphanet 32960, MedGen C1275126, MONDO:0007727, OMIM 142680.
TNFRSF1A-related disorder. Also called: TNFRSF1A-related condition.

Allele frequency attached by ClinVar (database versions not stated): ExAC 0.00058; 1000 Genomes Project 30x 0.00078; 1000 Genomes Project 0.00080; ESP Exome Variant Server 0.00023; gnomAD 0.00026 and 0.00029; gnomAD exomes 0.00028 and 0.00044; TOPMed 0.00037.
gnomAD v4.1: 688 of 1,601,444 alleles (0.043%); highest among the groups gnomAD compares: Non-Finnish European, 0.053%; 1 homozygote.

Submissions (7):

Labcorp Genetics (formerly Invitae), Labcorp
Classification: Likely benign for TNF receptor-associated periodic fever syndrome (TRAPS). Last evaluated: 2025-12-23. Review status: criteria provided, single submitter. Criteria: Invitae Variant Classification Sherloc (09022015). Collection method: clinical testing. Allele origin: germline.

Blueprint Genetics
Classification: Likely benign. Last evaluated: 2024-11-20. Review status: criteria provided, single submitter. Criteria: ACMG Guidelines, 2015. Collection method: clinical testing. Allele origin: germline.

CeGaT Center for Human Genetics Tuebingen
Classification: Likely benign. Last evaluated: 2024-02-01. Review status: criteria provided, single submitter. Criteria: CeGaT Center For Human Genetics Tuebingen Variant Classification Criteria Version 2. Collection method: clinical testing. Allele origin: germline. Affected: yes. Observed: 3 variant alleles.
Comment: TNFRSF1A: BP4, BS2

ARUP Laboratories, Molecular Genetics and Genomics, ARUP Laboratories
Classification: Likely benign. Last evaluated: 2023-09-19. Review status: criteria provided, single submitter. Criteria: ARUP Molecular Germline Variant Investigation Process 2024. Collection method: clinical testing. Allele origin: germline.

GeneDx
Classification: Likely benign. Last evaluated: 2021-01-13. Review status: criteria provided, single submitter. Criteria: GeneDx Variant Classification Process June 2021. Collection method: clinical testing. Allele origin: germline. Affected: yes.
Comment: This variant is associated with the following publications: (PMID: 28746777)

Genome Diagnostics Laboratory, The Hospital for Sick Children
Classification: Likely benign for Autoinflammatory syndrome. Last evaluated: 2016-12-12. Review status: criteria provided, single submitter. Criteria: ACMG Guidelines, 2015. Collection method: clinical testing. Allele origin: germline. Affected: yes.

PreventionGenetics, part of Exact Sciences
Classification: Likely benign for TNFRSF1A-related condition. Last evaluated: 2024-04-11. Review status: no assertion criteria provided. Collection method: clinical testing. Allele origin: germline. Not counted in ClinVar's aggregate classification.
Comment: This variant is classified as likely benign based on ACMG/AMP sequence variant interpretation guidelines (Richards et al. 2015 PMID: 25741868, with internal and published modifications).

NM_001065.4(TNFRSF1A):c.988G>A (p.Ala330Thr)

Gene: TNFRSF1A (TNF receptor superfamily member 1A; minus strand). Cytogenetic location: 12p13.31.
Variant type: single nucleotide variant.
Coding change: c.988G>A on transcript NM_001065.4 (MANE Select); coding-DNA position 988, G replaced by A.
Protein change: p.Ala330Thr; replaces alanine 330 with threonine.
Molecular consequence: missense variant. On other transcripts: non-coding transcript variant (1).
Genome position (GRCh38, 1-based): chr12:6,329,847, C>T on the plus strand (G>A on the coding strand, the complement: TNFRSF1A is on the minus strand). VCF-style: chr12-6329847-C-T. GRCh37 (hg19) VCF-style: chr12-6439013-C-T.
Other names: c.664G>A, p.Ala222Thr (NM_001346091.2); c.529G>A, p.Ala177Thr (NM_001346092.2); short protein forms A330T, A222T, A177T.
Identifiers: ClinVar variation 378736 (VCV000378736.53), dbSNP rs200029309, ClinGen allele CA6405313.